The following is an entry in ClinVar:

NM_000548.5(TSC2):c.3359T>A (p.Val1120Glu)

Gene: TSC2 (TSC complex subunit 2; plus strand). Cytogenetic location: 16p13.3.
Variant type: single nucleotide variant.
Coding change: c.3359T>A on transcript NM_000548.5 (MANE Select); coding-DNA position 3359, T replaced by A.
Protein change: p.Val1120Glu; replaces valine 1120 with glutamic acid.
Molecular consequence: missense variant.
Genome position (GRCh38, 1-based): chr16:2,079,631, T>A. VCF-style: chr16-2079631-T-A. GRCh37 (hg19) VCF-style: chr16-2129632-T-A.
Other names: c.3227T>A, p.Val1076Glu (NM_001077183.3, NM_001370404.1); c.3359T>A, p.Val1120Glu (NM_001114382.3); c.3119T>A, p.Val1040Glu (NM_001318827.2); c.3083T>A, p.Val1028Glu (NM_001318829.2); c.2627T>A, p.Val876Glu (NM_001318831.2); c.3260T>A, p.Val1087Glu (NM_001318832.2); c.3230T>A, p.Val1077Glu (NM_001363528.2, NM_001370405.1, NM_021055.3); short protein forms V1120E, V1077E, V876E, V1040E, V1087E, V1028E, V1076E.
Identifiers: ClinVar variation 64869 (VCV000064869.7), dbSNP rs397514895, ClinGen allele CA018952.
Genomic context (GRCh38, chr16:2,079,631, plus strand): 5'-TGCATGTGAGACAGACCAAGGAGGCGCCGGCCAAGCTGGAGTCCCAGGCTGGGCAGCAGG[T>A]GTCCCGTGGGGCCCGGGATCGGGTCCGTTCCATGTCGGGTGAGCCTTGGCCCCAGCCACC-3'
Protein context (NP_000539.2, residues 1110-1130): AKLESQAGQQ[Val1120Glu]SRGARDRVRS

ClinVar aggregate classification (germline): Uncertain significance. Review status: criteria provided, multiple submitters, no conflicts (2 of 4 stars). 3 submissions from 3 submitters: Uncertain significance (2). 1 of the submissions does not count toward it. Last evaluated 2025-10-22.

Conditions:
Tuberous sclerosis 2 (TSC2). Identifiers: Orphanet 805, MedGen C1860707, MONDO:0013199, OMIM 613254.
Hereditary cancer-predisposing syndrome. Also called: Tumor predisposition; Hereditary Cancer Syndrome; Neoplastic Syndromes, Hereditary; Hereditary neoplastic syndrome. Identifiers: Orphanet 140162, MedGen C0027672, MeSH D009386, MONDO:0015356.
Tuberous sclerosis syndrome (TSC). Also called: Tuberous Sclerosis Complex; Tuberous sclerosis. Identifiers: Orphanet 805, MedGen C0041341, MONDO:0001734.

Submissions (3):

Ambry Genetics
Classification: Uncertain significance for Hereditary cancer-predisposing syndrome. Last evaluated: 2025-10-22. Review status: criteria provided, single submitter. Criteria: Ambry Variant Classification Scheme 2023. Collection method: clinical testing. Allele origin: germline.
Comment: The p.V1120E variant (also known as c.3359T>A), located in coding exon 28 of the TSC2 gene, results from a T to A substitution at nucleotide position 3359. The valine at codon 1120 is replaced by glutamic acid, an amino acid with dissimilar properties. In one functional study, this alteration was found to have similar TSC1-TSC2 dependent inhibition of TORC1 as wild-type (Hoogeveen-Westerveld M et al. Hum Mutat, 2013 Jan;34:167-75). This amino acid position is not well conserved in available vertebrate species. In addition, this alteration is predicted to be deleterious by in silico analysis. Based on the available evidence, the clinical significance of this variant remains unclear.

Labcorp Genetics (formerly Invitae), Labcorp
Classification: Uncertain significance for Tuberous sclerosis 2. Last evaluated: 2023-02-08. Review status: criteria provided, single submitter. Criteria: Invitae Variant Classification Sherloc (09022015). Collection method: clinical testing. Allele origin: germline.
Comment: This sequence change replaces valine, which is neutral and non-polar, with glutamic acid, which is acidic and polar, at codon 1120 of the TSC2 protein (p.Val1120Glu). In summary, the available evidence is currently insufficient to determine the role of this variant in disease. Therefore, it has been classified as a Variant of Uncertain Significance. Algorithms developed to predict the effect of sequence changes on RNA splicing suggest that this variant may create or strengthen a splice site. Experimental studies have shown that this missense change does not substantially affect TSC2 function (PMID: 22903760). Advanced modeling of protein sequence and biophysical properties (such as structural, functional, and spatial information, amino acid conservation, physicochemical variation, residue mobility, and thermodynamic stability) performed at Invitae indicates that this missense variant is not expected to disrupt TSC2 protein function. ClinVar contains an entry for this variant (Variation ID: 64869). This missense change has been observed in individual(s) with clinical features of tuberous sclerosis (PMID: 22903760). This variant is not present in population databases (gnomAD no frequency).

Tuberous sclerosis database (TSC2)
No classification provided. Condition: TSC. Review status: no classification provided. Criteria: Tuberous Sclerosis Database Assertion Criteria 2015. Collection method: curation. Allele origin: germline. Affected: yes. Not counted in ClinVar's aggregate classification.

Literature cited by the submitters: PubMed 22903760 (cited by Ambry Genetics and Labcorp Genetics (formerly Invitae), Labcorp).